The following is an entry in ClinVar:

NM_178857.6(RP1L1):c.1194C>T (p.Gly398=)

Gene: RP1L1 (RP1 like 1). Cytogenetic location: 8p23.1.
Variant type: single nucleotide variant.
Coding change: c.1194C>T on transcript NM_178857.6 (MANE Select); coding-DNA position 1194, C replaced by T.
Protein change: p.Gly398=; no amino-acid change (glycine 398 retained).
Molecular consequence: synonymous variant.
Genome position (GRCh38, 1-based): chr8:10,612,904, G>A on the plus strand (C>T on the coding strand, the complement: RP1L1 is on the minus strand). VCF-style: chr8-10612904-G-A. GRCh37 (hg19) VCF-style: chr8-10470414-G-A.
Identifiers: ClinVar variation 3352463 (VCV003352463.2).

ClinVar aggregate classification (germline): Likely benign. Review status: criteria provided, single submitter (1 of 4 stars). 2 submissions from 2 submitters: Likely benign (1). 1 of the submissions does not count toward it. Last evaluated 2024-05-17.

Conditions:
RP1L1-related disorder. Also called: RP1L1-related condition.

gnomAD v4.1: 208 of 1,612,684 alleles (0.013%); highest among the groups gnomAD compares: African/African-American, 0.084%; 1 homozygote.

Submissions (2):

Blueprint Genetics
Classification: Likely benign. Last evaluated: 2024-05-17. Review status: criteria provided, single submitter. Criteria: ACMG Guidelines, 2015. Collection method: clinical testing. Allele origin: germline.

PreventionGenetics, part of Exact Sciences
Classification: Likely benign for RP1L1-related condition. Last evaluated: 2024-09-10. Review status: no assertion criteria provided. Collection method: clinical testing. Allele origin: germline. Not counted in ClinVar's aggregate classification.
Comment: This variant is classified as likely benign based on ACMG/AMP sequence variant interpretation guidelines (Richards et al. 2015 PMID: 25741868, with internal and published modifications).